The following is an entry in ClinVar:

NM_001044.5(SLC6A3):c.1843C>T (p.Arg615Cys)

Gene: SLC6A3 (solute carrier family 6 member 3). Cytogenetic location: 5p15.33.
Variant type: single nucleotide variant.
Coding change: c.1843C>T on transcript NM_001044.5 (MANE Select); coding-DNA position 1843, C replaced by T.
Protein change: p.Arg615Cys; replaces arginine 615 with cysteine.
Molecular consequence: missense variant.
Genome position (GRCh38, 1-based): chr5:1,394,755, G>A on the plus strand (C>T on the coding strand, the complement: SLC6A3 is on the minus strand). VCF-style: chr5-1394755-G-A. GRCh37 (hg19) VCF-style: chr5-1394870-G-A.
Other names: short protein forms R615C.
Identifiers: ClinVar variation 470637 (VCV000470637.47), dbSNP rs763131939, ClinGen allele CA3185855.

ClinVar aggregate classification (germline): Uncertain significance (1 of 4 stars; one submission).

Conditions:
Parkinsonism-dystonia, infantile. Identifiers: Orphanet 238455, MedGen C2751067, MONDO:0013150.

Allele frequency attached by ClinVar (database versions not stated): gnomAD exomes 0.00001; ExAC 0.00002; TOPMed 0.00002; gnomAD 0.00003.
gnomAD v4.1: 17 of 1,614,040 alleles (0.0011%); highest among the groups gnomAD compares: East Asian, 0.0022%; no homozygotes.

Submission:

Labcorp Genetics (formerly Invitae), Labcorp
Classification: Uncertain significance for Parkinsonism-dystonia, infantile. Last evaluated: 2021-04-30. Review status: criteria provided, single submitter. Criteria: Invitae Variant Classification Sherloc (09022015). Collection method: clinical testing. Allele origin: germline.
Comment: Experimental studies have shown that this missense change leads to altered protein function and localization in cell culture experiments (PMID: 22514303, 25747272). In summary, this variant is a rare missense change with uncertain impact on protein function. There is no indication that it causes disease, but the available evidence is currently insufficient to prove that conclusively. Therefore, it has been classified as a Variant of Uncertain Significance. This variant has been reported in individuals affected with attention-deficit hyperactivity disorder (ADHD).¬†This variant is also described as 2026T/C in the literature. In the same study the authors incorrectly refer to this variant in the SLC6A4 gene, while later describing it correctly as being present in the SLC6A3 gene (PMID: 22514303). This sequence change replaces arginine with cysteine at codon 615 of the SLC6A3 protein (p.Arg615Cys). The arginine residue is moderately conserved and there is a large physicochemical difference between arginine and cysteine. This variant is present in population databases at a very low frequency (rs763131939, ExAC <0.01%).

Literature cited by the submitters: PubMed 22514303; PubMed 25747272.